The following is an entry in ClinVar:

NM_015375.3(DSTYK):c.964G>A (p.Ala322Thr)

Gene: DSTYK (dual serine/threonine and tyrosine protein kinase; minus strand). Cytogenetic location: 1q32.1.
Variant type: single nucleotide variant.
Coding change: c.964G>A on transcript NM_015375.3 (MANE Select); coding-DNA position 964, G replaced by A.
Protein change: p.Ala322Thr; replaces alanine 322 with threonine.
Molecular consequence: missense variant.
Genome position (GRCh38, 1-based): chr1:205,169,523, C>T on the plus strand (G>A on the coding strand, the complement: DSTYK is on the minus strand). VCF-style: chr1-205169523-C-T. GRCh37 (hg19) VCF-style: chr1-205138651-C-T.
Other names: c.964G>A, p.Ala322Thr (NM_199462.3); short protein forms A322T.
Identifiers: ClinVar variation 2847486 (VCV002847486.3), dbSNP rs1657989713, ClinGen allele CA344401553.

ClinVar aggregate classification (germline): Uncertain significance (1 of 4 stars; one submission).

Submission:

Labcorp Genetics (formerly Invitae), Labcorp
Classification: Uncertain significance. Last evaluated: 2023-03-23. Review status: criteria provided, single submitter. Criteria: Invitae Variant Classification Sherloc (09022015). Collection method: clinical testing. Allele origin: germline.
Comment: This variant is not present in population databases (gnomAD no frequency). This sequence change replaces alanine, which is neutral and non-polar, with threonine, which is neutral and polar, at codon 322 of the DSTYK protein (p.Ala322Thr). This variant has not been reported in the literature in individuals affected with DSTYK-related conditions. Algorithms developed to predict the effect of missense changes on protein structure and function output the following: SIFT: "Not Available"; PolyPhen-2: "Benign"; Align-GVGD: "Not Available". The threonine amino acid residue is found in multiple mammalian species, which suggests that this missense change does not adversely affect protein function. In summary, the available evidence is currently insufficient to determine the role of this variant in disease. Therefore, it has been classified as a Variant of Uncertain Significance.